The following is an entry in ClinVar:

NM_001846.4(COL4A2):c.4774G>C (p.Val1592Leu)

Genes: COL4A2 (collagen type IV alpha 2 chain; plus strand), COL4A2-AS1 (COL4A2 antisense RNA 1; minus strand). Cytogenetic location: 13q34.
Variant type: single nucleotide variant.
Coding change: c.4774G>C on transcript NM_001846.4 (MANE Select); coding-DNA position 4774, G replaced by C.
Protein change: p.Val1592Leu; replaces valine 1592 with leucine.
Molecular consequence: missense variant. On other transcripts: non-coding transcript variant (1).
Genome position (GRCh38, 1-based): chr13:110,508,114, G>C. VCF-style: chr13-110508114-G-C. GRCh37 (hg19) VCF-style: chr13-111160461-G-C.
Other names: short protein forms V1592L.
Identifiers: ClinVar variation 3691932 (VCV003691932.2).

ClinVar aggregate classification (germline): Uncertain significance (1 of 4 stars; one submission).

gnomAD v4.1: 2 of 1,614,254 alleles (0.00012%); highest among the groups gnomAD compares: Non-Finnish European, 0.000085%; no homozygotes.

Submission:

Labcorp Genetics (formerly Invitae), Labcorp
Classification: Uncertain significance. Last evaluated: 2024-09-21. Review status: criteria provided, single submitter. Criteria: Invitae Variant Classification Sherloc (09022015). Collection method: clinical testing. Allele origin: germline.
Comment: This sequence change replaces valine, which is neutral and non-polar, with leucine, which is neutral and non-polar, at codon 1592 of the COL4A2 protein (p.Val1592Leu). This variant is not present in population databases (gnomAD no frequency). This variant has not been reported in the literature in individuals affected with COL4A2-related conditions. Invitae Evidence Modeling of protein sequence and biophysical properties (such as structural, functional, and spatial information, amino acid conservation, physicochemical variation, residue mobility, and thermodynamic stability) has been performed for this missense variant. However, the output from this modeling did not meet the statistical confidence thresholds required to predict the impact of this variant on COL4A2 protein function. In summary, the available evidence is currently insufficient to determine the role of this variant in disease. Therefore, it has been classified as a Variant of Uncertain Significance.